The following is an entry in ClinVar:

ClinVar aggregate classification (germline): Likely benign. Review status: criteria provided, multiple submitters, no conflicts (2 of 4 stars). 4 submissions from 4 submitters: Likely benign (3). 1 of the submissions does not count toward it. Last evaluated 2026-01-27.

Conditions:
P3H2-related disorder. Also called: P3H2-related condition.

Allele frequency attached by ClinVar (database versions not stated): gnomAD exomes 0.00015 and 0.00039; ExAC 0.00029; gnomAD 0.00161 and 0.00172; TOPMed 0.00213; 1000 Genomes Project 0.00220; 1000 Genomes Project 30x 0.00250.
gnomAD v4.1: 464 of 1,521,066 alleles (0.031%); highest among the groups gnomAD compares: African/African-American, 0.58%; 3 homozygotes.

Submissions (4):

Labcorp Genetics (formerly Invitae), Labcorp
Classification: Likely benign. Last evaluated: 2026-01-27. Review status: criteria provided, single submitter. Criteria: Invitae Variant Classification Sherloc (09022015). Collection method: clinical testing. Allele origin: germline.

Blueprint Genetics
Classification: Likely benign. Last evaluated: 2024-09-11. Review status: criteria provided, single submitter. Criteria: ACMG Guidelines, 2015. Collection method: clinical testing. Allele origin: germline.

Breakthrough Genomics
Classification: Likely benign. Review status: criteria provided, single submitter. Criteria: ACMG Guidelines, 2015. Collection method: not provided. Allele origin: germline. Inheritance: Autosomal recessive inheritance. Affected: yes.

PreventionGenetics, part of Exact Sciences
Classification: Likely benign for P3H2-related condition. Last evaluated: 2019-07-11. Review status: no assertion criteria provided. Collection method: clinical testing. Allele origin: germline. Not counted in ClinVar's aggregate classification.
Comment: This variant is classified as likely benign based on ACMG/AMP sequence variant interpretation guidelines (Richards et al. 2015 PMID: 25741868, with internal and published modifications).

NM_018192.4(P3H2):c.37C>T (p.Leu13=)

Genes: P3H2 (prolyl 3-hydroxylase 2; minus strand), LOC123464484 (Sharpr-MPRA regulatory region 10063; plus strand). Cytogenetic location: 3q28.
Variant type: single nucleotide variant.
Coding change: c.37C>T on transcript NM_018192.4 (MANE Select); coding-DNA position 37, C replaced by T.
Protein change: p.Leu13=; no amino-acid change (leucine 13 retained).
Molecular consequence: synonymous variant. On other transcripts: intron variant (1).
Genome position (GRCh38, 1-based): chr3:190,120,695, G>A on the plus strand (C>T on the coding strand, the complement: P3H2 is on the minus strand). VCF-style: chr3-190120695-G-A. GRCh37 (hg19) VCF-style: chr3-189838484-G-A.
Other names: c.-64+1508C>T (NM_001134418.2); c.37C>T (NM_018192.3).
Identifiers: ClinVar variation 1091036 (VCV001091036.11), dbSNP rs367922933, ClinGen allele CA2753453.
Genomic context (GRCh38, chr3:190,120,695, plus strand): 5'-CCCGGCGTGGGCTGTCCGGGGGGCCGCCCCACAGTGGCGGCGGCAGTAGCAGCGGCAGCA[G>A]CAGCAGCAGCGGCGGCGCCCAGATGCGCTCCCGCATCCTCCGCCTCAGAGAGGCGCGGGA-3'
Protein context (NP_060662.2, residues 3-23): ERIWAPPLLL[Leu13=]LPLLLPPPLW